The following is an entry in ClinVar:

ClinVar aggregate classification (germline): Benign (1 of 4 stars; one submission).

Allele frequency attached by ClinVar (database versions not stated): 1000 Genomes Project 0.73023; 1000 Genomes Project 30x 0.73032; TOPMed 0.76051; gnomAD exomes 0.76157; gnomAD 0.76904 and 0.77486.
gnomAD v4.1: 576,943 of 755,686 alleles (76%); highest among the groups gnomAD compares: African/African-American, 80%; 221,682 homozygotes.

Submission:

GeneDx
Classification: Benign. Last evaluated: 2018-06-16. Review status: criteria provided, single submitter. Criteria: GeneDx Variant Classification (06012015). Collection method: clinical testing. Allele origin: germline. Affected: yes.
Comment: This variant is considered likely benign or benign based on one or more of the following criteria: it is a conservative change, it occurs at a poorly conserved position in the protein, it is predicted to be benign by multiple in silico algorithms, and/or has population frequency not consistent with disease.

NM_005592.4(MUSK):c.754-143C>T

Gene: MUSK (muscle associated receptor tyrosine kinase; plus strand). Cytogenetic location: 9q31.3.
Variant type: single nucleotide variant.
Coding change: c.754-143C>T on transcript NM_005592.4 (MANE Select); 143 bases into the intron before coding-DNA position 754, C replaced by T.
Molecular consequence: intron variant.
Genome position (GRCh38, 1-based): chr9:110,747,498, C>T. VCF-style: chr9-110747498-C-T. GRCh37 (hg19) VCF-style: chr9-113509778-C-T.
Other names: c.784-143C>T (NM_001166280.2); c.754-143C>T (NM_001166281.2); c.-483-143C>T (NM_001369398.1).
Identifiers: ClinVar variation 684078 (VCV000684078.1), dbSNP rs2846448, ClinGen allele CA15598922.